The following is an entry in ClinVar:

NM_001033855.3(DCLRE1C):c.350del (p.Pro117fs)

Gene: DCLRE1C (DNA cross-link repair 1C; minus strand). Cytogenetic location: 10p13.
Variant type: Deletion.
Coding change: c.350del on transcript NM_001033855.3 (MANE Select); coding-DNA position 350, one base deleted (C; older notation c.350delC).
Protein change: p.Pro117fs; shifts the reading frame from proline 117.
Molecular consequence: frameshift variant. On other transcripts: 5 prime UTR variant (5), non-coding transcript variant (3), intron variant (4).
Genome position (GRCh38, 1-based): chr10:14,936,550, G deleted on the plus strand (C on the coding strand, the reverse complement: DCLRE1C is on the minus strand); the first of 2 consecutive G bases (chr10:14,936,550-14,936,551); deleting either gives the same sequence. VCF-style (leftmost placement, unchanged base first): chr10-14936549-CG-C. GRCh37 (hg19) VCF-style: chr10-14978548-CG-C.
Other names: c.-11del (NM_001033857.3, NM_001033858.3, NM_001289077.2 and 2 more transcripts); c.350del, p.Pro117fs (NM_001350965.2); c.18-986del (NM_001350966.2, NM_001289078.2, NM_001289076.2 and 1 more transcripts); short protein forms P117fs.
Identifiers: ClinVar variation 4814551 (VCV004814551.1).
Genomic context (GRCh38, chr10:14,936,549, plus strand): 5'-CAATATGTGTCTACATATAATAAAATGACAAAATAAATGACCCCCTTACATAACTGATCC[CG>C]GACAGTGACCAGCTGGTAAGAGAGTCACAACAATCTCTTCCTTCTAAAAAGAAAATAAAG-3'

ClinVar aggregate classification (germline): Likely pathogenic (1 of 4 stars; one submission).

Conditions:
Athabaskan severe combined immunodeficiency (SCIDA). Also called: Severe combined immunodeficiency, athabascan-type. Identifiers: MedGen C1865370.

Submission:

Natera, Inc.
Classification: Likely pathogenic for Athabascan severe combined immunodeficiency. Last evaluated: 2024-10-21. Review status: criteria provided, single submitter. Criteria: Natera Variant Classification Schema (03/2026). Collection method: clinical testing. Allele origin: germline.
Comment: The c.350delC variant in DCLRE1C is a frameshift variant predicted to shift the reading frame beginning at codon 117 and leads to a stop codon 67 codons downstream. This variant is expected to result in nonsense mediated decay, truncation, or a dysfunctional protein product. This variant is rare in the general population with a frequency below the threshold expected for the associated phenotype(s). Given the available evidence, this variant is classified as Likely Pathogenic.